The following is an entry in ClinVar:

ClinVar aggregate classification (germline): Pathogenic/Likely pathogenic. Review status: criteria provided, multiple submitters, no conflicts (2 of 4 stars). 4 submissions from 4 submitters: Pathogenic (1); Likely pathogenic (3). Last evaluated 2025-07-01.

Conditions:
Inborn genetic diseases. Identifiers: MedGen C0950123, MeSH D030342.
Pyridoxal phosphate-responsive seizures (PNPOD). Also called: Pyridoxamine 5-Prime-Phosphate Oxidase Deficiency; EPILEPTIC ENCEPHALOPATHY, NEONATAL, PNPO-RELATED; Pyridoxal 5'-Phosphate (PLP)-Dependent Epilepsy; SEIZURES, PYRIDOXINE-RESISTANT, PLP-SENSITIVE; Pyridoxine-5'-phosphate oxidase deficiency. Identifiers: Orphanet 79096, MedGen C1864723, MONDO:0012407, OMIM 610090. Disease mechanism: loss of function.

Allele frequency attached by ClinVar (database versions not stated): gnomAD exomes below 0.00001 and 0.00001; ExAC 0.00002; gnomAD 0.00003; TOPMed 0.00004.

Submissions (4):

GeneDx
Classification: Likely pathogenic. Last evaluated: 2025-07-01. Review status: criteria provided, single submitter. Criteria: GeneDx Variant Classification Process June 2021. Collection method: clinical testing. Allele origin: germline. Affected: yes.
Comment: Reported in an individual with epilepsy, however it is unknown if a second PNPO variant was also identified (PMID: 31440721); Nonsense variant predicted to result in protein truncation, as the last 43 amino acids are lost, and other loss-of-function variants have been reported downstream in HGMD; Not observed at significant frequency in large population cohorts (gnomAD); This variant is associated with the following publications: (PMID: 15182361, 31440721)

Labcorp Genetics (formerly Invitae), Labcorp
Classification: Pathogenic for Pyridoxal phosphate-responsive seizures. Last evaluated: 2025-03-27. Review status: criteria provided, single submitter. Criteria: Invitae Variant Classification Sherloc (09022015). Collection method: clinical testing. Allele origin: germline.
Comment: This sequence change creates a premature translational stop signal (p.Trp219*) in the PNPO gene. While this is not anticipated to result in nonsense mediated decay, it is expected to disrupt the last 43 amino acid(s) of the PNPO protein. This variant is present in population databases (rs776248931, gnomAD 0.01%). This variant has not been reported in the literature in individuals affected with PNPO-related conditions. ClinVar contains an entry for this variant (Variation ID: 658245). This variant disrupts a region of the PNPO protein in which other variant(s) (p.Arg229Gln) have been determined to be pathogenic (PMID: 23708187, 24266778, 28133863, 28985901). This suggests that this is a clinically significant region of the protein, and that variants that disrupt it are likely to be disease-causing. For these reasons, this variant has been classified as Pathogenic.

Women's Health and Genetics/Laboratory Corporation of America, LabCorp
Classification: Likely pathogenic for Pyridoxal phosphate-responsive seizures. Last evaluated: 2023-02-03. Review status: criteria provided, single submitter. Criteria: LabCorp Variant Classification Summary - May 2015. Collection method: clinical testing. Allele origin: germline.
Comment: Variant summary: PNPO c.657G>A (p.Trp219X) results in a premature termination codon, predicted to cause a truncation of the encoded protein or absence of the protein due to nonsense mediated decay, which are commonly known mechanisms for disease. Truncations downstream of this position have been associated with PNPO deficiency in HGMD. The variant allele was found at a frequency of 8e-06 in 251338 control chromosomes. c.657G>A has been reported in the literature in an individual affected with Epilepsy (Truty_2019). At least one publication reports experimental evidence evaluating an impact on protein function. The most pronounced variant effect results in <10% of normal activity associated with loss of the C-terminal 25 amino acids of the PNPO protein (Kang_2004). Two clinical diagnostic laboratories have submitted clinical-significance assessments for this variant to ClinVar after 2014 without evidence for independent evaluation. All laboratories classified the variant as likely pathogenic (n=2). Based on the evidence outlined above, the variant was classified as likely pathogenic.

Ambry Genetics
Classification: Likely pathogenic for Inborn genetic diseases. Last evaluated: 2019-08-08. Review status: criteria provided, single submitter. Criteria: Ambry Variant Classification Scheme 2023. Collection method: clinical testing. Allele origin: germline.
Comment: The p.W219* variant (also known as c.657G>A), located in coding exon 7 of the PNPO gene, results from a G to A substitution at nucleotide position 657. This changes the amino acid from a tryptophan to a stop codon within coding exon 7. This amino acid position is highly conserved in available vertebrate species.This alteration is expected to result in loss of function by premature protein truncation. Based on the majority of available evidence to date, this variant is likely to be pathogenic.

Literature cited by the submitters: PubMed 23708187 (cited by Labcorp Genetics (formerly Invitae), Labcorp); PubMed 24266778 (cited by Labcorp Genetics (formerly Invitae), Labcorp); PubMed 28133863 (cited by Labcorp Genetics (formerly Invitae), Labcorp); PubMed 28985901 (cited by Labcorp Genetics (formerly Invitae), Labcorp); PubMed 31440721 (cited by Women's Health and Genetics/Laboratory Corporation of America, LabCorp); PubMed 15182361 (cited by Women's Health and Genetics/Laboratory Corporation of America, LabCorp); PubMed 24645144 (cited by Ambry Genetics); PubMed 25979913 (cited by Ambry Genetics).

NM_018129.4(PNPO):c.657G>A (p.Trp219Ter)

Gene: PNPO (pyridoxamine 5'-phosphate oxidase; plus strand). Cytogenetic location: 17q21.32.
Variant type: single nucleotide variant.
Coding change: c.657G>A on transcript NM_018129.4 (MANE Select); coding-DNA position 657, G replaced by A.
Protein change: p.Trp219Ter; replaces tryptophan 219 with a stop codon.
Molecular consequence: nonsense.
Genome position (GRCh38, 1-based): chr17:47,946,653, G>A. VCF-style: chr17-47946653-G-A. GRCh37 (hg19) VCF-style: chr17-46024019-G-A.
Other names: short protein forms W219*.
Identifiers: ClinVar variation 658245 (VCV000658245.15), dbSNP rs776248931, ClinGen allele CA8629264.